The following is an entry in ClinVar:

ClinVar aggregate classification (germline): Uncertain significance. Review status: criteria provided, multiple submitters, no conflicts (2 of 4 stars). 2 submissions from 2 submitters: Uncertain significance (2). Last evaluated 2025-06-10.

Conditions:
Inborn genetic diseases. Identifiers: MedGen C0950123, MeSH D030342.
Epidermodysplasia verruciformis. Identifiers: Orphanet 302, MedGen C0014522, MONDO:0009176.

Allele frequency attached by ClinVar (database versions not stated): TOPMed 0.00005; gnomAD 0.00006; ESP Exome Variant Server 0.00008.
gnomAD v4.1: 162 of 1,613,476 alleles (0.01%); highest among the groups gnomAD compares: Non-Finnish European, 0.013%; no homozygotes.

Submissions (2):

Ambry Genetics
Classification: Uncertain significance for Inborn genetic diseases. Last evaluated: 2025-06-10. Review status: criteria provided, single submitter. Criteria: Ambry Variant Classification Scheme 2023. Collection method: clinical testing. Allele origin: germline.

Labcorp Genetics (formerly Invitae), Labcorp
Classification: Uncertain significance for Epidermodysplasia verruciformis. Last evaluated: 2021-08-27. Review status: criteria provided, single submitter. Criteria: Invitae Variant Classification Sherloc (09022015). Collection method: clinical testing. Allele origin: germline.
Comment: This sequence change replaces arginine with leucine at codon 629 of the TMC8 protein (p.Arg629Leu). The arginine residue is moderately conserved and there is a moderate physicochemical difference between arginine and leucine. This variant is present in population databases (rs369861947, ExAC 0.003%). This variant has not been reported in the literature in individuals affected with TMC8-related conditions. Algorithms developed to predict the effect of missense changes on protein structure and function (SIFT, PolyPhen-2, Align-GVGD) all suggest that this variant is likely to be disruptive. In summary, the available evidence is currently insufficient to determine the role of this variant in disease. Therefore, it has been classified as a Variant of Uncertain Significance.

NM_152468.5(TMC8):c.1886G>T (p.Arg629Leu)

Gene: TMC8 (transmembrane channel like 8; plus strand). Cytogenetic location: 17q25.3.
Variant type: single nucleotide variant.
Coding change: c.1886G>T on transcript NM_152468.5 (MANE Select); coding-DNA position 1886, G replaced by T.
Protein change: p.Arg629Leu; replaces arginine 629 with leucine.
Molecular consequence: missense variant.
Genome position (GRCh38, 1-based): chr17:78,139,224, G>T. VCF-style: chr17-78139224-G-T. GRCh37 (hg19) VCF-style: chr17-76135305-G-T.
Other names: short protein forms R629L.
Identifiers: ClinVar variation 581875 (VCV000581875.11), dbSNP rs369861947, ClinGen allele CA8797073.